The following is an entry in ClinVar:

NM_000719.7(CACNA1C):c.4657G>A (p.Asp1553Asn)

Genes: CACNA1C-AS2 (CACNA1C antisense RNA 2; minus strand), CACNA1C (calcium voltage-gated channel subunit alpha1 C; plus strand). Cytogenetic location: 12p13.33.
Variant type: single nucleotide variant.
Coding change: c.4657G>A on transcript NM_000719.7 (MANE Select); coding-DNA position 4657, G replaced by A.
Protein change: p.Asp1553Asn; replaces aspartic acid 1553 with asparagine.
Molecular consequence: missense variant. On other transcripts: non-coding transcript variant (1).
Genome position (GRCh38, 1-based): chr12:2,668,966, G>A. VCF-style: chr12-2668966-G-A. GRCh37 (hg19) VCF-style: chr12-2778132-G-A.
Other names: c.4801G>A, p.Asp1601Asn (NM_001129827.2, NM_199460.4); c.4723G>A, p.Asp1575Asn (NM_001129829.2); c.4657G>A, p.Asp1553Asn (NM_001129830.3, NM_001129833.2, NM_001129834.2 and 7 more transcripts); c.4741G>A, p.Asp1581Asn (NM_001129831.2); c.4717G>A, p.Asp1573Asn (NM_001129832.2); c.4708G>A, p.Asp1570Asn (NM_001129836.2); c.4624G>A, p.Asp1542Asn (NM_001129837.2, NM_001129838.2, NM_001129846.2 and 1 more transcripts); c.4618G>A, p.Asp1540Asn (NM_001129839.2); and 1 more; short protein forms D1540N, D1542N, D1550N, D1553N, D1570N, D1573N, D1575N, D1581N.
Identifiers: ClinVar variation 1677559 (VCV001677559.2), dbSNP rs2153729186, ClinGen allele CA383377144.

ClinVar aggregate classification (germline): Uncertain significance. Review status: criteria provided, multiple submitters, no conflicts (2 of 4 stars). 2 submissions from 2 submitters: Uncertain significance (2). Last evaluated 2025-06-11.

Conditions:
Long QT syndrome (LQTS). Identifiers: MedGen C0023976, MeSH D008133, MONDO:0002442. Disease mechanism: loss of function. Inheritance: Various modes of inheritance.

gnomAD v4.1: 1 of 1,614,070 alleles (0.000062%); highest among the groups gnomAD compares: Non-Finnish European, 0.000085%; no homozygotes.

Submissions (2):

Labcorp Genetics (formerly Invitae), Labcorp
Classification: Uncertain significance for Long QT syndrome. Last evaluated: 2025-06-11. Review status: criteria provided, single submitter. Criteria: Invitae Variant Classification Sherloc (09022015). Collection method: clinical testing. Allele origin: germline.
Comment: This sequence change replaces aspartic acid, which is acidic and polar, with asparagine, which is neutral and polar, at codon 1553 of the CACNA1C protein (p.Asp1553Asn). This variant is not present in population databases (gnomAD no frequency). This variant has not been reported in the literature in individuals affected with CACNA1C-related conditions. ClinVar contains an entry for this variant (Variation ID: 1677559). Invitae Evidence Modeling of protein sequence and biophysical properties (such as structural, functional, and spatial information, amino acid conservation, physicochemical variation, residue mobility, and thermodynamic stability) indicates that this missense variant is expected to disrupt CACNA1C protein function with a positive predictive value of 95%. In summary, the available evidence is currently insufficient to determine the role of this variant in disease. Therefore, it has been classified as a Variant of Uncertain Significance.

AiLife Diagnostics
Classification: Uncertain significance. Last evaluated: 2021-10-15. Review status: criteria provided, single submitter. Criteria: ACMG Guidelines, 2015. Collection method: clinical testing. Allele origin: germline. Affected: yes. Observed: 1 variant allele.